The following is an entry in ClinVar:

NC_000012.11:g.(?_25398188)_(25398318_?)dup

Gene: KRAS (KRAS proto-oncogene, GTPase; minus strand). Cytogenetic location: 12p12.1.
Variant type: Duplication.
Identifiers: ClinVar variation 2425254 (VCV002425254.4).

ClinVar aggregate classification (germline): Uncertain significance (1 of 4 stars; one submission).

Conditions:
RASopathy. Also called: Noonan spectrum disorder; rasopathies. Identifiers: Orphanet 536391, MedGen C5555857, MONDO:0021060.

Submission:

Labcorp Genetics (formerly Invitae), Labcorp
Classification: Uncertain significance for RASopathy. Last evaluated: 2022-10-12. Review status: criteria provided, single submitter. Criteria: Invitae Variant Classification Sherloc (09022015). Collection method: clinical testing. Allele origin: germline.
Comment: This variant has not been reported in the literature in individuals affected with KRAS-related conditions. In summary, the available evidence is currently insufficient to determine the role of this variant in disease. Therefore, it has been classified as a Variant of Uncertain Significance. This variant results in a copy number gain of the genomic region encompassing exon(s) 2 of the KRAS gene. This region includes the initiator codon of the gene. This copy number gain extends beyond the assayed region for this gene and therefore may encompass additional genes. As the precise location of this event is unknown, it may be in tandem or it may be located elsewhere in the genome.